The following is an entry in ClinVar:

ClinVar aggregate classification (germline): Uncertain significance (1 of 4 stars; one submission).

Submission:

GeneDx
Classification: Uncertain significance. Last evaluated: 2024-08-10. Review status: criteria provided, single submitter. Criteria: GeneDx Variant Classification Process June 2021. Collection method: clinical testing. Allele origin: germline. Affected: yes.
Comment: Not observed at significant frequency in large population cohorts (gnomAD); Frameshift variant predicted to result in protein truncation or nonsense mediated decay in a gene or region of a gene for which loss of function is not a well-established mechanism of disease; Has not been previously published as pathogenic or benign to our knowledge

NM_001303457.2(TTI1):c.1584_1594delinsTTACAGGGTTACA (p.Glu528fs)

Gene: TTI1 (TELO2 interacting protein 1; minus strand). Cytogenetic location: 20q11.23.
Variant type: Indel.
Coding change: c.1584_1594delinsTTACAGGGTTACA on transcript NM_001303457.2 (MANE Select); coding-DNA positions 1584 to 1594, ACTGGTTACAG replaced by TTACAGGGTTACA.
Protein change: p.Glu528fs; shifts the reading frame from glutamic acid 528.
Molecular consequence: frameshift variant.
Genome position (GRCh38, 1-based): chr20:38,012,223-38,012,233, CTGTAACCAGT replaced by TGTAACCCTGTAA on the plus strand (ACTGGTTACAG replaced by TTACAGGGTTACA on the coding strand, the reverse complement: TTI1 is on the minus strand). VCF-style: chr20-38012223-CTGTAACCAGT-TGTAACCCTGTAA. GRCh37 (hg19) VCF-style: chr20-36640625-CTGTAACCAGT-TGTAACCCTGTAA.
Other names: c.1584_1594delinsTTACAGGGTTACA, p.Glu528fs (NM_014657.3); short protein forms E528fs.
Identifiers: ClinVar variation 3731076 (VCV003731076.1).
Genomic context (GRCh38, chr20:38,012,223, plus strand): 5'-CTTCTGGGTTTGTTTTAATATGTTTTTCGTGAAGATCCTCAACCTCCAGCCCAGCAGCCC[CTGTAACCAGT>TGTAACCCTGTAA]TCATTAAGGATCATGGCAGCTTGCTTCCGGTAAACCACAGATTGATGGTAAAGTTCCATA-3'